The following is an entry in ClinVar:

NM_020458.4(TTC7A):c.1600G>A (p.Val534Ile)

Gene: TTC7A (tetratricopeptide repeat domain 7A; plus strand). Cytogenetic location: 2p21.
Variant type: single nucleotide variant.
Coding change: c.1600G>A on transcript NM_020458.4 (MANE Select); coding-DNA position 1600, G replaced by A.
Protein change: p.Val534Ile; replaces valine 534 with isoleucine.
Molecular consequence: missense variant.
Genome position (GRCh38, 1-based): chr2:47,024,318, G>A. VCF-style: chr2-47024318-G-A. GRCh37 (hg19) VCF-style: chr2-47251457-G-A.
Other names: c.1600G>A, p.Val534Ile (NM_001288951.2); c.1498G>A, p.Val500Ile (NM_001288953.2); c.538G>A, p.Val180Ile (NM_001288955.2); c.1600G>A (NM_020458.2); short protein forms V180I, V500I, V534I.
Identifiers: ClinVar variation 955810 (VCV000955810.2), dbSNP rs779782772, ClinGen allele CA1647758.

ClinVar aggregate classification (germline): Uncertain significance. Review status: criteria provided, multiple submitters, no conflicts (2 of 4 stars). 2 submissions from 2 submitters: Uncertain significance (2). Last evaluated 2025-08-30.

Conditions:
Multiple gastrointestinal atresias. Also called: FAMILIAL INTESTINAL POLYATRESIA SYNDROME; Multiple intestinal atresia. Identifiers: Orphanet 2300, MedGen C0220744, MONDO:0009465.
Inborn genetic diseases. Identifiers: MedGen C0950123, MeSH D030342.

Allele frequency attached by ClinVar (database versions not stated): TOPMed below 0.00001; ExAC 0.00003; gnomAD exomes 0.00003.
gnomAD v4.1: 30 of 1,609,606 alleles (0.0019%); highest among the groups gnomAD compares: South Asian, 0.029%; no homozygotes.

Submissions (2):

Ambry Genetics
Classification: Uncertain significance for Inborn genetic diseases. Last evaluated: 2025-08-30. Review status: criteria provided, single submitter. Criteria: Ambry Variant Classification Scheme 2023. Collection method: clinical testing. Allele origin: germline.

Labcorp Genetics (formerly Invitae), Labcorp
Classification: Uncertain significance for Multiple gastrointestinal atresias. Last evaluated: 2019-07-18. Review status: criteria provided, single submitter. Criteria: Invitae Variant Classification Sherloc (09022015). Collection method: clinical testing. Allele origin: germline.
Comment: This sequence change replaces valine with isoleucine at codon 534 of the TTC7A protein (p.Val534Ile). The valine residue is weakly conserved and there is a small physicochemical difference between valine and isoleucine. This variant is present in population databases (rs779782772, ExAC 0.03%). This variant has not been reported in the literature in individuals with TTC7A-related conditions. Algorithms developed to predict the effect of missense changes on protein structure and function output the following: SIFT: "Tolerated"; PolyPhen-2: "Benign"; Align-GVGD: "Class C0". The isoleucine amino acid residue is found in multiple mammalian species, suggesting that this missense change does not adversely affect protein function. These predictions have not been confirmed by published functional studies and their clinical significance is uncertain. In summary, the available evidence is currently insufficient to determine the role of this variant in disease. Therefore, it has been classified as a Variant of Uncertain Significance.